The following is an entry in ClinVar:

NM_001111.5(ADAR):c.2271-3A>G

Gene: ADAR (adenosine deaminase RNA specific; minus strand). Cytogenetic location: 1q21.3.
Variant type: single nucleotide variant.
Coding change: c.2271-3A>G on transcript NM_001111.5 (MANE Select); 3 bases into the intron before coding-DNA position 2271, A replaced by G.
Molecular consequence: intron variant.
Genome position (GRCh38, 1-based): chr1:154,590,412, T>C on the plus strand (A>G on the coding strand, the complement: ADAR is on the minus strand). VCF-style: chr1-154590412-T-C. GRCh37 (hg19) VCF-style: chr1-154562888-T-C.
Other names: c.1386-3A>G (NM_001365046.1, NM_001025107.3, NM_001365048.1 and 3 more transcripts); c.2298-3A>G (NM_001365045.1); c.2214-3A>G (NM_015841.4); c.2271-3A>G (NM_015840.4).
Identifiers: ClinVar variation 4783519 (VCV004783519.1).

ClinVar aggregate classification (germline): Uncertain significance (1 of 4 stars; one submission).

Conditions:
Aicardi-Goutieres syndrome 6 (AGS6). Identifiers: Orphanet 51, MedGen C3539013, MONDO:0014007, OMIM 615010.
Symmetrical dyschromatosis of extremities (DSH). Also called: Dyschromatosis symmetrica hereditaria; DYSCHROMATOSIS SYMMETRICA HEREDITARIA 1; RETICULATE ACROPIGMENTATION OF DOHI; SYMMETRIC DYSCHROMATOSIS OF THE EXTREMITIES. Identifiers: Orphanet 41, MedGen C0406775, MONDO:0007483, OMIM 127400.

Submission:

Labcorp Genetics (formerly Invitae), Labcorp
Classification: Uncertain significance for Aicardi-Goutieres syndrome 6; Symmetrical dyschromatosis of extremities. Last evaluated: 2025-05-23. Review status: criteria provided, single submitter. Criteria: Invitae Variant Classification Sherloc (09022015). Collection method: clinical testing. Allele origin: germline.
Comment: This sequence change falls in intron 6 of the ADAR gene. It does not directly change the encoded amino acid sequence of the ADAR protein. It affects a nucleotide within the consensus splice site. This variant is not present in population databases (gnomAD no frequency). This variant has been observed in individual(s) with clinical features of autosomal dominant and recessive ADAR-related conditions (PMID: 21083709, 33289110). Variants that disrupt the consensus splice site are a relatively common cause of aberrant splicing (PMID: 17576681, 9536098). Algorithms developed to predict the effect of sequence changes on RNA splicing suggest that this variant may disrupt the consensus splice site. In summary, the available evidence is currently insufficient to determine the role of this variant in disease. Therefore, it has been classified as a Variant of Uncertain Significance.

Literature cited by the submitters: PubMed 21083709; PubMed 33289110; PubMed 17576681; PubMed 9536098.